The following is an entry in ClinVar:

ClinVar aggregate classification (germline): Benign (1 of 4 stars; one submission).

Conditions:
Emery-Dreifuss muscular dystrophy 5, autosomal dominant (EDMD5). Also called: EMERY-DREIFUSS MUSCULAR DYSTROPHY 5. Identifiers: Orphanet 261, MedGen C2751805, MONDO:0013072, OMIM 612999.

Allele frequency attached by ClinVar (database versions not stated): gnomAD 0.00001; gnomAD exomes 0.00588; TOPMed 0.00002; 1000 Genomes Project 30x 0.00312; 1000 Genomes Project 0.00339.
gnomAD v4.1: 73 of 151,772 alleles (0.048%); highest among the groups gnomAD compares: South Asian, 1.5%; no homozygotes.

Submission:

Illumina Laboratory Services, Illumina
Classification: Benign for Emery-Dreifuss muscular dystrophy 5, autosomal dominant. Last evaluated: 2018-01-12. Review status: criteria provided, single submitter. Criteria: ICSL Variant Classification Criteria 13 December 2019. Collection method: clinical testing. Allele origin: germline.
Comment: This variant was observed in the ICSL laboratory as part of a predisposition screen in an ostensibly healthy population. It had not been previously curated by ICSL or reported in the Human Gene Mutation Database (HGMD: prior to June 1st, 2018), and was therefore a candidate for classification through an automated scoring system. Utilizing variant allele frequency, disease prevalence and penetrance estimates, and inheritance mode, an automated score was calculated to assess if this variant is too frequent to cause the disease. Based on the score and internal cut-off values, a variant classified as benign is not then subjected to further curation. The score for this variant resulted in a classification of benign for this disease.

NM_182914.2(SYNE2):c.-202G>C

Genes: SYNE2 (spectrin repeat containing nuclear envelope protein 2; plus strand), LOC130055816 (ATAC-STARR-seq lymphoblastoid silent region 5831; plus strand). Cytogenetic location: 14q23.2.
Variant type: single nucleotide variant.
Coding change: c.-202G>C on transcript NM_182914.2; 202 bases upstream of the start codon, G replaced by C.
Genome position (GRCh38, 1-based): chr14:63,852,993, G>C. VCF-style: chr14-63852993-G-C. GRCh37 (hg19) VCF-style: chr14-64319711-G-C.
Identifiers: ClinVar variation 313477 (VCV000313477.7), dbSNP rs552973060, ClinGen allele CA10645545.